The following is an entry in ClinVar:

NM_001353694.2(TIAM1):c.230C>G (p.Ser77Cys)

Gene: TIAM1 (TIAM Rac1 associated GEF 1; minus strand). Cytogenetic location: 21q22.11.
Variant type: single nucleotide variant.
Coding change: c.230C>G on transcript NM_001353694.2 (MANE Select); coding-DNA position 230, C replaced by G.
Protein change: p.Ser77Cys; replaces serine 77 with cysteine.
Molecular consequence: missense variant.
Genome position (GRCh38, 1-based): chr21:31,266,743, G>C on the plus strand (C>G on the coding strand, the complement: TIAM1 is on the minus strand). VCF-style: chr21-31266743-G-C. GRCh37 (hg19) VCF-style: chr21-32639059-G-C.
Other names: c.230C>G, p.Ser77Cys (NM_001353686.2, NM_001353687.2, NM_001353688.1 and 6 more transcripts); short protein forms S77C.
Identifiers: ClinVar variation 3346153 (VCV003346153.1).
Genomic context (GRCh38, chr21:31,266,743, plus strand): 5'-CCCATGTCCACTCGGTCCACCCAGATGGGGCTCCCGAAGTCTTCTAGGGTACCATCTTGG[G>C]AGAAGGGCTCCAGGCCATTTTCAGCCAGGGACTGGGGGATGCTGGGGGTGCTGCTGGATC-3'
Protein context (NP_001340623.1, residues 67-87): SLAENGLEPF[Ser77Cys]QDGTLEDFGS

ClinVar aggregate classification (germline): Uncertain significance (0 of 4 stars; one submission).

Conditions:
TIAM1-related disorder. Also called: TIAM1-related condition.

gnomAD v4.1: 1 of 1,614,214 alleles (0.000062%); highest among the groups gnomAD compares: South Asian, 0.0011%; no homozygotes.

Submission:

PreventionGenetics, part of Exact Sciences
Classification: Uncertain significance for TIAM1-related condition. Last evaluated: 2024-06-19. Review status: no assertion criteria provided. Collection method: clinical testing. Allele origin: germline.
Comment: The TIAM1 c.230C>G variant is predicted to result in the amino acid substitution p.Ser77Cys. To our knowledge, this variant has not been reported in the literature. This variant is reported in 0.0033% of alleles in individuals of South Asian descent in gnomAD. At this time, the clinical significance of this variant is uncertain due to the absence of conclusive functional and genetic evidence.